The following is an entry in ClinVar:

NM_003361.4(UMOD):c.1623G>T (p.Gly541=)

Gene: UMOD (uromodulin; minus strand). Cytogenetic location: 16p12.3.
Variant type: single nucleotide variant.
Coding change: c.1623G>T on transcript NM_003361.4 (MANE Select); coding-DNA position 1623, G replaced by T.
Protein change: p.Gly541=; no amino-acid change (glycine 541 retained).
Molecular consequence: synonymous variant. On other transcripts: non-coding transcript variant (1).
Genome position (GRCh38, 1-based): chr16:20,337,408, C>A on the plus strand (G>T on the coding strand, the complement: UMOD is on the minus strand). VCF-style: chr16-20337408-C-A. GRCh37 (hg19) VCF-style: chr16-20348730-C-A.
Other names: c.1623G>T, p.Gly541= (NM_001008389.3, NM_001378232.1, NM_001378233.1); c.1722G>T, p.Gly574= (NM_001278614.2); c.1764G>T, p.Gly588= (NM_001378234.1, NM_001378235.1); c.1623G>T (NM_003361.2).
Identifiers: ClinVar variation 318285 (VCV000318285.17), dbSNP rs562726925, ClinGen allele CA7939076.

ClinVar aggregate classification (germline): Conflicting classifications of pathogenicity. Review status: criteria provided, conflicting classifications (1 of 4 stars). 5 submissions from 5 submitters: Uncertain significance (1); Benign (2); Likely benign (1). 1 of the submissions does not count toward it. Last evaluated 2025-04-17.

Conditions:
UMOD-related disorder. Also called: UMOD-related condition.
Familial juvenile hyperuricemic nephropathy type 1 (ADTKD1). Also called: Autosomal Dominant Tubulointerstitial Kidney Disease – UMOD; UMOD-Associated Kidney Disease; Uromodulin-associated kidney disease; Glomerulocystic kidney disease with hyperuricemia and isosthenuria; Medullary cystic kidney disease 2. Identifiers: Orphanet 209886, Orphanet 34149, Orphanet 88950, MedGen C4551496, MONDO:0008073, OMIM 162000.

Allele frequency attached by ClinVar (database versions not stated): gnomAD exomes 0.00005 and 0.00027; gnomAD 0.00006 and 0.00009; TOPMed 0.00014; ExAC 0.00023; 1000 Genomes Project 30x 0.00031; 1000 Genomes Project 0.00040.
gnomAD v4.1: 85 of 1,614,104 alleles (0.0053%); highest among the groups gnomAD compares: East Asian, 0.16%; no homozygotes.

Submissions (5):

Labcorp Genetics (formerly Invitae), Labcorp
Classification: Benign. Last evaluated: 2025-04-17. Review status: criteria provided, single submitter. Criteria: Invitae Variant Classification Sherloc (09022015). Collection method: clinical testing. Allele origin: germline.

Blueprint Genetics
Classification: Likely benign. Last evaluated: 2024-08-09. Review status: criteria provided, single submitter. Criteria: ACMG Guidelines, 2015. Collection method: clinical testing. Allele origin: germline.

GeneDx
Classification: Uncertain significance. Last evaluated: 2024-06-21. Review status: criteria provided, single submitter. Criteria: GeneDx Variant Classification Process June 2021. Collection method: clinical testing. Allele origin: germline. Affected: yes.
Comment: In silico analysis is inconclusive as to whether the variant alters gene splicing. In the absence of RNA/functional studies, the actual effect of this sequence change is unknown.; Has not been previously published as pathogenic or benign to our knowledge

Illumina Laboratory Services, Illumina
Classification: Benign for UMOD-Associated Kidney Disease. Last evaluated: 2018-01-13. Review status: criteria provided, single submitter. Criteria: ICSL Variant Classification Criteria 13 December 2019. Collection method: clinical testing. Allele origin: germline.
Comment: This variant was observed in the ICSL laboratory as part of a predisposition screen in an ostensibly healthy population. It had not been previously curated by ICSL or reported in the Human Gene Mutation Database (HGMD: prior to June 1st, 2018), and was therefore a candidate for classification through an automated scoring system. Utilizing variant allele frequency, disease prevalence and penetrance estimates, and inheritance mode, an automated score was calculated to assess if this variant is too frequent to cause the disease. Based on the score and internal cut-off values, a variant classified as benign is not then subjected to further curation. The score for this variant resulted in a classification of benign for this disease.

PreventionGenetics, part of Exact Sciences
Classification: Likely benign for UMOD-related condition. Last evaluated: 2019-03-20. Review status: no assertion criteria provided. Collection method: clinical testing. Allele origin: germline. Not counted in ClinVar's aggregate classification.
Comment: This variant is classified as likely benign based on ACMG/AMP sequence variant interpretation guidelines (Richards et al. 2015 PMID: 25741868, with internal and published modifications).